The following is an entry in ClinVar:

NM_001377.3(DYNC2H1):c.2225T>G (p.Met742Arg)

Gene: DYNC2H1 (dynein cytoplasmic 2 heavy chain 1; plus strand). Cytogenetic location: 11q22.3.
Variant type: single nucleotide variant.
Coding change: c.2225T>G on transcript NM_001377.3 (MANE Select); coding-DNA position 2225, T replaced by G.
Protein change: p.Met742Arg; replaces methionine 742 with arginine.
Molecular consequence: missense variant.
Genome position (GRCh38, 1-based): chr11:103,135,514, T>G. VCF-style: chr11-103135514-T-G. GRCh37 (hg19) VCF-style: chr11-103006243-T-G.
Other names: c.2225T>G, p.Met742Arg (NM_001080463.2); short protein forms M742R.
Identifiers: ClinVar variation 446557 (VCV000446557.8), dbSNP rs774610143, ClinGen allele CA6252989.

ClinVar aggregate classification (germline): Conflicting classifications of pathogenicity. Review status: criteria provided, conflicting classifications (1 of 4 stars). 5 submissions from 5 submitters: Likely pathogenic (2); Uncertain significance (1). 2 of the submissions do not count toward it. Last evaluated 2025-05-14.

Conditions:
Jeune thoracic dystrophy. Also called: Jeune syndrome; Infantile thoracic dystrophy; Thoracic pelvic phalangeal dystrophy; Jeune's syndrome; Chondroectodermal dysplasia-like syndrome; Short-rib thoracic dysplasia. Identifiers: Orphanet 474, MedGen C0265275, MONDO:0018770.
DYNC2H1-related disorder. Also called: DYNC2H1-related disorders; DYNC2H1-related condition. Identifiers: MedGen CN378770.
Asphyxiating thoracic dystrophy 3. Also called: Saldino-Noonan Syndrome; SHORT-RIB THORACIC DYSPLASIA 3 WITH OR WITHOUT POLYDACTYLY; POLYDACTYLY WITH NEONATAL CHONDRODYSTROPHY, TYPE I; SHORT-RIB THORACIC DYSPLASIA 3/6 WITH POLYDACTYLY, DIGENIC; Short rib polydactyly syndrome 2B. Identifiers: Orphanet 474, Orphanet 93269, Orphanet 93270, Orphanet 93271, MedGen C0036069, MONDO:0013127, OMIM 613091.

Allele frequency attached by ClinVar (database versions not stated): gnomAD exomes below 0.00001; ExAC 0.00001.
gnomAD v4.1: 1 of 1,573,662 alleles (0.000064%); highest among the groups gnomAD compares: Admixed American, 0.0019%; no homozygotes.

Submissions (5):

Women's Health and Genetics/Laboratory Corporation of America, LabCorp
Classification: Uncertain significance. Last evaluated: 2025-05-14. Review status: criteria provided, single submitter. Criteria: LabCorp Variant Classification Summary - May 2015. Collection method: clinical testing. Allele origin: germline.
Comment: Variant summary: DYNC2H1 c.2225T>G (p.Met742Arg) results in a non-conservative amino acid change in the encoded protein sequence. Algorithms developed to predict the effect of missense changes on protein structure and function are either unavailable or do not agree on the potential impact of this missense change. The variant allele was found at a frequency of 4.4e-06 in 228570 control chromosomes. c.2225T>G has been observed in two compound heterozygous individuals affected with Short-rib thoracic dysplasia (Zhang_2018, He_2019). These data indicate that the variant may be associated with disease. To our knowledge, no experimental evidence demonstrating an impact on protein function has been reported. The following publications have been ascertained in the context of this evaluation (PMID: 31609148, 29068549). ClinVar contains an entry for this variant (Variation ID: 446557). Based on the evidence outlined above, the variant was classified as VUS-possibly pathogenic.

Blueprint Genetics
Classification: Likely pathogenic for DYNC2H1-related disorders. Last evaluated: 2024-10-28. Review status: criteria provided, single submitter. Criteria: ACMG Guidelines, 2015. Collection method: clinical testing. Allele origin: germline. Affected: yes. Observed: 1 variant allele.

Juno Genomics, Hangzhou Juno Genomics, Inc
Classification: Likely pathogenic for Asphyxiating thoracic dystrophy 3. Review status: criteria provided, single submitter. Criteria: ACMG Guidelines, 2015. Collection method: clinical testing. Allele origin: germline. Affected: yes.
Comment: Absent from controls (or at extremely low frequency if recessive) in Genome Aggregation Database, Exome Sequencing Project, 1000 Genomes Project, or Exome Aggregation Consortium.;For recessive disorders, detected in trans with a pathogenic variant.;Patient's phenotype or family history is highly specific for a disease with a single genetic etiology.

Dan Cohn Lab, University Of California Los Angeles
Classification: Pathogenic for Asphyxiating thoracic dystrophy. Last evaluated: 2017-06-01. Review status: no assertion criteria provided. Collection method: research. Allele origin: unknown. Affected: yes. Not counted in ClinVar's aggregate classification.

University of Washington Center for Mendelian Genomics, University of Washington
Classification: Likely pathogenic for asphyxiating thoracic dystrophy. Review status: no assertion criteria provided. Collection method: research. Allele origin: inherited. Affected: yes. Not counted in ClinVar's aggregate classification.

Literature cited by the submitters: PubMed 29068549 (cited by 3 submitters); PubMed 31609148 (cited by Women's Health and Genetics/Laboratory Corporation of America, LabCorp).